The following is an entry in ClinVar:

ClinVar aggregate classification (germline): Conflicting classifications of pathogenicity. Review status: criteria provided, conflicting classifications (1 of 4 stars). 5 submissions from 3 submitters: Pathogenic (1); Uncertain significance (2). 2 of the submissions do not count toward it.

Conditions:
Transitory neonatal diabetes mellitus. Also called: Transient neonatal diabetes mellitus. Identifiers: MedGen C0342273, MONDO:0020525, HP:0008255.
Maturity-onset diabetes of the young (MODY). Also called: Maturity onset diabetes mellitus in young. Identifiers: Orphanet 552, MedGen C0342276, MONDO:0018911, HP:0004904.
Diabetes mellitus, transient neonatal, 2 (TNDM2). Identifiers: Orphanet 99886, MedGen C1835887, MONDO:0012480, OMIM 610374. Disease mechanism: loss of function.
Hyperinsulinemic hypoglycemia, familial, 1 (HHF1). Also called: Persistent hyperinsulinemic hypoglycemia of infancy; HYPERINSULINISM, FAMILIAL, WITH PANCREATIC NESIDIOBLASTOSIS; HYPOGLYCEMIA, HYPERINSULINEMIC, OF INFANCY; NESIDIOBLASTOSIS OF PANCREAS; Persistent Hyperinsulinemia Hypoglycemia of Infancy. Identifiers: Orphanet 276575, Orphanet 276598, MedGen C2931832, MONDO:0009734, OMIM 256450.
Hypoglycemia. Identifiers: MedGen C0020615, MONDO:0004946, HP:0001943.

Submissions (5):

Clinical Genomics, Uppaluri K&H Personalized Medicine Clinic
Classification: Uncertain significance for Maturity-onset diabetes of the young. Review status: criteria provided, single submitter. Criteria: K & H Uppaluri Personalized Medicine Clinic Variant Classification & Assertion Criteria_Updated V.1. Collection method: research. Allele origin: somatic. Inheritance: Somatic mutation.
Comment: Mutations in ABCC8 gene are associated with both neonatal diabetes mellitus as well as MODY. Patients with this mutation may have a better response to sulfonylureas. However, no sufficient evidence is found to ascertain the role of this particular variant (rs1554906786) in MODY yet.

Clinical Genomics, Uppaluri K&H Personalized Medicine Clinic
Classification: Uncertain significance for Transitory neonatal diabetes mellitus. Review status: criteria provided, single submitter. Criteria: K & H Uppaluri Personalized Medicine Clinic Variant Classification & Assertion Criteria_Updated V.1. Collection method: research. Allele origin: somatic. Inheritance: Somatic mutation.
Comment: Mutations in ABCC8 gene are associated with both neonatal diabetes mellitus as well as MODY. Patients with this mutation may have a better response to sulfonylureas. However, no sufficient evidence is found to ascertain the role of this particular variant (rs1554906786) in neonatal diabetes yet.

Seattle Children's Hospital Molecular Genetics Laboratory, Seattle Children's Hospital
Classification: Pathogenic for Hypoglycemia. Review status: criteria provided, single submitter. Criteria: ACMG Guidelines, 2015. Collection method: clinical testing. Allele origin: germline. Affected: yes.

Counsyl
Classification: Likely pathogenic for Hyperinsulinemic hypoglycemia, familial, 1. Last evaluated: 2017-05-31. Review status: no assertion criteria provided. Collection method: clinical testing. Allele origin: unknown. Not counted in ClinVar's aggregate classification.

Seattle Children's Hospital Molecular Genetics Laboratory, Seattle Children's Hospital
Classification: Pathogenic for Diabetes mellitus, transient neonatal, 2. Review status: no assertion criteria provided. Collection method: clinical testing. Allele origin: germline. Affected: yes. Not counted in ClinVar's aggregate classification.

Literature cited by the submitters: PubMed 16885549 (cited by Clinical Genomics, Uppaluri K&H Personalized Medicine Clinic); PubMed 21989597 (cited by Clinical Genomics, Uppaluri K&H Personalized Medicine Clinic); PubMed 27538677 (cited by Clinical Genomics, Uppaluri K&H Personalized Medicine Clinic); PubMed 18981553 (cited by Clinical Genomics, Uppaluri K&H Personalized Medicine Clinic); PubMed 32027066 (cited by Clinical Genomics, Uppaluri K&H Personalized Medicine Clinic); PubMed 16613899 (cited by Clinical Genomics, Uppaluri K&H Personalized Medicine Clinic); PubMed 18025408 (cited by Clinical Genomics, Uppaluri K&H Personalized Medicine Clinic); PubMed 32792356 (cited by Clinical Genomics, Uppaluri K&H Personalized Medicine Clinic); PubMed 23275527 (cited by Counsyl).

NM_000352.6(ABCC8):c.3753+1G>A

Gene: ABCC8 (ATP binding cassette subfamily C member 8; minus strand). Cytogenetic location: 11p15.1.
Variant type: single nucleotide variant.
Coding change: c.3753+1G>A on transcript NM_000352.6 (MANE Select); the canonical splice donor site of the intron after coding-DNA position 3753, G replaced by A.
Molecular consequence: splice donor variant.
Genome position (GRCh38, 1-based): chr11:17,398,338, C>T on the plus strand (G>A on the coding strand, the complement: ABCC8 is on the minus strand). VCF-style: chr11-17398338-C-T. GRCh37 (hg19) VCF-style: chr11-17419885-C-T.
Other names: c.3753+1G>A (NM_000352.4, NM_001351296.2); c.3750+1G>A (NM_001351297.2); c.3819+1G>A (NM_001351295.2); c.3756+1G>A (NM_001287174.3).
Identifiers: ClinVar variation 552226 (VCV000552226.5), dbSNP rs1554906786, ClinGen allele CA379793881.